The following is an entry in ClinVar:

ClinVar aggregate classification (germline): Uncertain significance (1 of 4 stars; one submission).

Conditions:
Multiple endocrine neoplasia type 4. Also called: MULTIPLE ENDOCRINE NEOPLASIA, TYPE IV. Identifiers: Orphanet 276152, MedGen C1970712, MONDO:0012552, OMIM 610755.

Submission:

Labcorp Genetics (formerly Invitae), Labcorp
Classification: Uncertain significance for Multiple endocrine neoplasia type 4. Last evaluated: 2020-10-23. Review status: criteria provided, single submitter. Criteria: Invitae Variant Classification Sherloc (09022015). Collection method: clinical testing. Allele origin: germline.
Comment: This sequence change falls in intron 1 of the CDKN1B gene. It does not directly change the encoded amino acid sequence of the CDKN1B protein. The frequency data for this variant in the population databases is not available, as this variant may be reported as separate entries in the ExAC database. In summary, the available evidence is currently insufficient to determine the role of this variant in disease. Therefore, it has been classified as a Variant of Uncertain Significance. Algorithms developed to predict the effect of sequence changes on RNA splicing suggest that this variant may disrupt the consensus splice site, but this prediction has not been confirmed by published transcriptional studies. This variant has not been reported in the literature in individuals with CDKN1B-related conditions.

NM_004064.5(CDKN1B):c.476-6_476-5delinsAG

Gene: CDKN1B (cyclin dependent kinase inhibitor 1B; plus strand). Cytogenetic location: 12p13.1.
Variant type: Indel.
Coding change: c.476-6_476-5delinsAG on transcript NM_004064.5 (MANE Select); 6 bases into the intron before coding-DNA position 476 through 5 bases into the intron before coding-DNA position 476, GC replaced by AG.
Molecular consequence: intron variant.
Genome position (GRCh38, 1-based): chr12:12,718,819-12,718,820, GC replaced by AG. VCF-style: chr12-12718819-GC-AG. GRCh37 (hg19) VCF-style: chr12-12871753-GC-AG.
Identifiers: ClinVar variation 1018632 (VCV001018632.8), dbSNP rs1555085703, ClinGen allele CA2017048197.